The following is an entry in ClinVar:

ClinVar aggregate classification (germline): Uncertain significance. Review status: criteria provided, multiple submitters, no conflicts (2 of 4 stars). 3 submissions from 3 submitters: Uncertain significance (3). Last evaluated 2024-12-04.

Allele frequency attached by ClinVar (database versions not stated): TOPMed below 0.00001; gnomAD exomes 0.00001.
gnomAD v4.1: 3 of 1,531,706 alleles (0.0002%); highest among the groups gnomAD compares: Middle Eastern, 0.018%; no homozygotes.

Submissions (3):

ARUP Laboratories, Molecular Genetics and Genomics, ARUP Laboratories
Classification: Uncertain significance. Last evaluated: 2024-12-04. Review status: criteria provided, single submitter. Criteria: ARUP Molecular Germline Variant Investigation Process 2024. Collection method: clinical testing. Allele origin: germline.
Comment: The NOTCH3 c.6323C>T; p.Pro2108Leu variant (rs2046640187), to our knowledge, is not reported in the medical literature but is reported in ClinVar (Variation ID: 2192163). This variant is absent from the Genome Aggregation Database (v2.1.1), indicating it is not a common polymorphism. Computational analyses are uncertain whether this variant is neutral or deleterious (REVEL: 0.524). Most pathogenic NOTCH3 variants occur in exons 2-24 and either create or destroy a cysteine residue within an EGF-like domain (Rutten 2014). However, there are several amino acid substitutions not involving cysteine that may be disease-associated (Muino 2017). Although the p.Pro2108Leu variant does not occur within this critical region and does not involve a cysteine residue, due to its low population frequency its clinical significance is uncertain. References: Muino E et al. Systematic Review of Cysteine-Sparing NOTCH3 Missense Mutations in Patients with Clinical Suspicion of CADASIL. Int J Mol Sci. 2017 Sep 13;18(9). pii: E1964. PMID: 28902129. Rutten JW et al. Interpretation of NOTCH3 mutations in the diagnosis of CADASIL. Expert Rev Mol Diagn. 2014 Jun;14(5):593-603. PMID: 24844136.

Athena Diagnostics
Classification: Uncertain significance. Last evaluated: 2024-07-16. Review status: criteria provided, single submitter. Criteria: Athena Diagnostics Criteria. Collection method: clinical testing. Allele origin: unknown.
Comment: Available data are insufficient to determine the clinical significance of the variant at this time. This variant has not been reported in large, multi-ethnic general populations. Polyphen and MutationTaster predict this amino acid change may be damaging to the protein. Greater than 90% of NOTCH3 pathogenic variants associated with CADASIL involve the gain or loss of a cysteine residue within the epidermal growth factor (EGF)-like repeat domain (PMID: 32457593, 20301673).

Labcorp Genetics (formerly Invitae), Labcorp
Classification: Uncertain significance. Last evaluated: 2022-04-01. Review status: criteria provided, single submitter. Criteria: Invitae Variant Classification Sherloc (09022015). Collection method: clinical testing. Allele origin: germline.
Comment: This sequence change replaces proline, which is neutral and non-polar, with leucine, which is neutral and non-polar, at codon 2108 of the NOTCH3 protein (p.Pro2108Leu). This variant is not present in population databases (gnomAD no frequency). This variant has not been reported in the literature in individuals affected with NOTCH3-related conditions. Advanced modeling of protein sequence and biophysical properties (such as structural, functional, and spatial information, amino acid conservation, physicochemical variation, residue mobility, and thermodynamic stability) performed at Invitae indicates that this missense variant is not expected to disrupt NOTCH3 protein function. In summary, the available evidence is currently insufficient to determine the role of this variant in disease. Therefore, it has been classified as a Variant of Uncertain Significance.

NM_000435.3(NOTCH3):c.6323C>T (p.Pro2108Leu)

Gene: NOTCH3 (notch receptor 3; minus strand). Cytogenetic location: 19p13.12.
Variant type: single nucleotide variant.
Coding change: c.6323C>T on transcript NM_000435.3 (MANE Select); coding-DNA position 6323, C replaced by T.
Protein change: p.Pro2108Leu; replaces proline 2108 with leucine.
Molecular consequence: missense variant.
Genome position (GRCh38, 1-based): chr19:15,161,305, G>A on the plus strand (C>T on the coding strand, the complement: NOTCH3 is on the minus strand). VCF-style: chr19-15161305-G-A. GRCh37 (hg19) VCF-style: chr19-15272116-G-A.
Other names: c.6323C>T (NM_000435.2); short protein forms P2108L.
Identifiers: ClinVar variation 2192163 (VCV002192163.6), dbSNP rs2046640187, ClinGen allele CA404488917.